The following is an entry in ClinVar:

ClinVar aggregate classification (germline): Uncertain significance. Review status: criteria provided, multiple submitters, no conflicts (2 of 4 stars). 2 submissions from 2 submitters: Uncertain significance (2). Last evaluated 2023-06-08.

Conditions:
Classic or attenuated familial adenomatous polyposis. Identifiers: MedGen CN372698, MONDO:0021057.

Submissions (2):

All of Us Research Program, National Institutes of Health
Classification: Uncertain significance for Classic or attenuated familial adenomatous polyposis. Last evaluated: 2023-06-08. Review status: criteria provided, single submitter. Criteria: ACMG Guidelines, 2015. Collection method: clinical testing. Allele origin: germline. Inheritance: Autosomal dominant inheritance. Observed: 1 variant allele, 1 heterozygote.
Comment: This missense variant replaces glutamic acid with aspartic acid at codon 1064 of the APC protein. Computational prediction suggests that this variant may not impact protein structure and function (internally defined REVEL score threshold <= 0.5, PMID: 27666373). To our knowledge, functional studies have not been reported for this variant. This variant has not been reported in individuals affected with APC-related disorders in the literature. This variant has not been identified in the general population by the Genome Aggregation Database (gnomAD). The available evidence is insufficient to determine the role of this variant in disease conclusively. Therefore, this variant is classified as a Variant of Uncertain Significance.

This study involves interpretation of variants in research participants for the purpose of population health screening. Participant phenotype was not available at the time of variant classification. Additional details can be found in publication PMID: 35346344, PMCID: PMC8962531

Quest Diagnostics Nichols Institute San Juan Capistrano
Classification: Uncertain significance. Last evaluated: 2019-11-27. Review status: criteria provided, single submitter. Criteria: Quest Diagnostics criteria. Collection method: clinical testing. Allele origin: unknown.

NM_000038.6(APC):c.3192G>T (p.Glu1064Asp)

Gene: APC (APC regulator of WNT signaling pathway; plus strand). Cytogenetic location: 5q22.2.
Variant type: single nucleotide variant.
Coding change: c.3192G>T on transcript NM_000038.6 (MANE Select); coding-DNA position 3192, G replaced by T.
Protein change: p.Glu1064Asp; replaces glutamic acid 1064 with aspartic acid.
Molecular consequence: missense variant.
Genome position (GRCh38, 1-based): chr5:112,838,786, G>T. VCF-style: chr5-112838786-G-T. GRCh37 (hg19) VCF-style: chr5-112174483-G-T.
Other names: c.3192G>T, p.Glu1064Asp (NM_001127510.3, NM_001354895.2); c.3138G>T, p.Glu1046Asp (NM_001127511.3); c.3246G>T, p.Glu1082Asp (NM_001354896.2); c.3222G>T, p.Glu1074Asp (NM_001354897.2); c.3117G>T, p.Glu1039Asp (NM_001354898.2); c.3108G>T, p.Glu1036Asp (NM_001354899.2); c.3069G>T, p.Glu1023Asp (NM_001354900.2); c.3015G>T, p.Glu1005Asp (NM_001354901.2); and 5 more; short protein forms E1005D, E1023D, E1036D, E1039D, E1046D, E1064D, E1074D, E1082D.
Identifiers: ClinVar variation 993151 (VCV000993151.2), dbSNP rs1580632280, ClinGen allele CA16028335.
Genomic context (GRCh38, chr5:112,838,786, plus strand): 5'-ACAGAATGAAAGATGGGCAAGACCCAAACACATAATAGAAGATGAAATAAAACAAAGTGA[G>T]CAAAGACAATCAAGGAATCAAAGTACAACTTATCCTGTTTATACTGAGAGCACTGATGAT-3'
Protein context (NP_000029.2, residues 1054-1074): HIIEDEIKQS[Glu1064Asp]QRQSRNQSTT